The following is an entry in ClinVar:

NM_058246.4(DNAJB6):c.59A>G (p.Lys20Arg)

Gene: DNAJB6 (DnaJ heat shock protein family (Hsp40) member B6; plus strand). Cytogenetic location: 7q36.3.
Variant type: single nucleotide variant.
Coding change: c.59A>G on transcript NM_058246.4 (MANE Select); coding-DNA position 59, A replaced by G.
Protein change: p.Lys20Arg; replaces lysine 20 with arginine.
Molecular consequence: missense variant.
Genome position (GRCh38, 1-based): chr7:157,358,631, A>G. VCF-style: chr7-157358631-A-G. GRCh37 (hg19) VCF-style: chr7-157151325-A-G.
Other names: c.59A>G, p.Lys20Arg (NM_001363676.1, NM_005494.3); short protein forms K20R.
Identifiers: ClinVar variation 2848198 (VCV002848198.3), dbSNP rs772675515, ClinGen allele CA4590328.
Genomic context (GRCh38, chr7:157,358,631, plus strand): 5'-ACATGGTGGATTACTATGAAGTTCTAGGCGTGCAGAGACATGCCTCACCCGAGGATATTA[A>G]AAAGGCGTAAGTAGTTTTATTTCTGTGGTAATGCATTTTCACAGTGGTACATTGGTAATT-3'
Protein context (NP_490647.1, residues 10-30): VQRHASPEDI[Lys20Arg]KAYRKLALKW

ClinVar aggregate classification (germline): Uncertain significance (1 of 4 stars; one submission).

Conditions:
Autosomal dominant limb-girdle muscular dystrophy type 1D (DNAJB6) (LGMDD1). Also called: MUSCULAR DYSTROPHY, LIMB-GIRDLE, TYPE 1D; Autosomal dominant limb-girdle muscular dystrophy type 1D; Muscular dystrophy, limb-girdle, autosomal dominant 1; MUSCULAR DYSTROPHY, AUTOSOMAL DOMINANT, WITH RIMMED VACUOLES. Identifiers: Orphanet 34516, MedGen C4721885, MONDO:0021018, OMIM 603511.

Allele frequency attached by ClinVar (database versions not stated): TOPMed below 0.00001; ExAC 0.00001; gnomAD 0.00001; gnomAD exomes 0.00001.
gnomAD v4.1: 8 of 1,611,562 alleles (0.0005%); highest among the groups gnomAD compares: Admixed American, 0.01%; no homozygotes.

Submission:

Labcorp Genetics (formerly Invitae), Labcorp
Classification: Uncertain significance for Autosomal dominant limb-girdle muscular dystrophy type 1D (DNAJB6). Last evaluated: 2024-12-24. Review status: criteria provided, single submitter. Criteria: Invitae Variant Classification Sherloc (09022015). Collection method: clinical testing. Allele origin: germline.
Comment: This sequence change replaces lysine, which is basic and polar, with arginine, which is basic and polar, at codon 20 of the DNAJB6 protein (p.Lys20Arg). This variant is present in population databases (rs772675515, gnomAD 0.01%). This variant has not been reported in the literature in individuals affected with DNAJB6-related conditions. ClinVar contains an entry for this variant (Variation ID: 2848198). Invitae Evidence Modeling of protein sequence and biophysical properties (such as structural, functional, and spatial information, amino acid conservation, physicochemical variation, residue mobility, and thermodynamic stability) indicates that this missense variant is not expected to disrupt DNAJB6 protein function with a negative predictive value of 80%. In summary, the available evidence is currently insufficient to determine the role of this variant in disease. Therefore, it has been classified as a Variant of Uncertain Significance.